The following is an entry in ClinVar:

ClinVar aggregate classification (germline): Uncertain significance (1 of 4 stars; one submission).

Allele frequency attached by ClinVar (database versions not stated): gnomAD 0.00001; gnomAD exomes 0.00001; TOPMed 0.00002.

Submission:

Labcorp Genetics (formerly Invitae), Labcorp
Classification: Uncertain significance. Last evaluated: 2022-08-23. Review status: criteria provided, single submitter. Criteria: Invitae Variant Classification Sherloc (09022015). Collection method: clinical testing. Allele origin: germline.
Comment: Algorithms developed to predict the effect of missense changes on protein structure and function are either unavailable or do not agree on the potential impact of this missense change (SIFT: "Deleterious"; PolyPhen-2: "Benign"; Align-GVGD: "Class C15"). ClinVar contains an entry for this variant (Variation ID: 1402426). This variant has not been reported in the literature in individuals affected with TONSL-related conditions. This variant is present in population databases (no rsID available, gnomAD 0.007%). This sequence change replaces arginine, which is basic and polar, with cysteine, which is neutral and slightly polar, at codon 857 of the TONSL protein (p.Arg857Cys). In summary, the available evidence is currently insufficient to determine the role of this variant in disease. Therefore, it has been classified as a Variant of Uncertain Significance.

NM_013432.5(TONSL):c.2569C>T (p.Arg857Cys)

Genes: TONSL (tonsoku like, DNA repair protein; minus strand), TONSL-AS1 (TONSL antisense RNA 1; plus strand). Cytogenetic location: 8q24.3.
Variant type: single nucleotide variant.
Coding change: c.2569C>T on transcript NM_013432.5 (MANE Select); coding-DNA position 2569, C replaced by T.
Protein change: p.Arg857Cys; replaces arginine 857 with cysteine.
Molecular consequence: missense variant.
Genome position (GRCh38, 1-based): chr8:144,435,864, G>A on the plus strand (C>T on the coding strand, the complement: TONSL is on the minus strand). VCF-style: chr8-144435864-G-A. GRCh37 (hg19) VCF-style: chr8-145661247-G-A.
Other names: short protein forms R857C.
Identifiers: ClinVar variation 1402426 (VCV001402426.7), dbSNP rs1204250581, ClinGen allele CA372654244.
Genomic context (GRCh38, chr8:144,435,864, plus strand): 5'-TGGCTCGGGCACGGGGCCTGCTCTCCTCACTGTCCGACCCAGAGGTACTACTGGGCCTGC[G>A]GTTGTCTCCAGTGCCCCGGGGGCGGGGCCGGCGGCTGCGGGTCAGGGGCATGTCCAGCTC-3'
Protein context (NP_038460.4, residues 847-867): RPRPRGTGDN[Arg857Cys]RPSSTSGSDS